The following is an entry in ClinVar:

ClinVar aggregate classification (germline): Uncertain significance. Review status: criteria provided, multiple submitters, no conflicts (2 of 4 stars). 2 submissions from 2 submitters: Uncertain significance (2). Last evaluated 2025-09-03.

Conditions:
Neurofibromatosis, type 1 (NF1). Also called: NEUROFIBROMATOSIS, TYPE I, SOMATIC; VON RECKLINGHAUSEN DISEASE; Peripheral type neurofibromatosis; Neurofibromatosis, type I. Identifiers: Orphanet 636, MedGen C0027831, MONDO:0018975, OMIM 162200. Disease mechanism: loss of function.
Hereditary cancer-predisposing syndrome. Also called: Neoplastic Syndromes, Hereditary; Hereditary Cancer Syndrome; Tumor predisposition; Hereditary neoplastic syndrome. Identifiers: Orphanet 140162, MedGen C0027672, MeSH D009386, MONDO:0015356.
Cardiovascular phenotype. Identifiers: MedGen CN230736.

Allele frequency attached by ClinVar (database versions not stated): gnomAD exomes below 0.00001; TOPMed below 0.00001; gnomAD 0.00001.
gnomAD v4.1: 1 of 1,614,218 alleles (0.000062%); highest among the groups gnomAD compares: Middle Eastern, 0.016%; no homozygotes.

Submissions (2):

Ambry Genetics
Classification: Uncertain significance for Cardiovascular phenotype; Hereditary cancer-predisposing syndrome. Last evaluated: 2025-09-03. Review status: criteria provided, single submitter. Criteria: Ambry Variant Classification Scheme 2023. Collection method: clinical testing. Allele origin: germline.
Comment: The p.V1182I variant (also known as c.3544G>A), located in coding exon 27 of the NF1 gene, results from a G to A substitution at nucleotide position 3544. The valine at codon 1182 is replaced by isoleucine, an amino acid with highly similar properties. This amino acid position is highly conserved in available vertebrate species. In addition, the in silico prediction for this alteration is inconclusive. Based on the available evidence, the clinical significance of this variant remains unclear.

Labcorp Genetics (formerly Invitae), Labcorp
Classification: Uncertain significance for Neurofibromatosis, type 1. Last evaluated: 2025-08-02. Review status: criteria provided, single submitter. Criteria: Invitae Variant Classification Sherloc (09022015). Collection method: clinical testing. Allele origin: germline.
Comment: This sequence change replaces valine, which is neutral and non-polar, with isoleucine, which is neutral and non-polar, at codon 1182 of the NF1 protein (p.Val1182Ile). This variant is not present in population databases (gnomAD no frequency). This variant has not been reported in the literature in individuals affected with NF1-related conditions. ClinVar contains an entry for this variant (Variation ID: 1037040). Invitae Evidence Modeling of protein sequence and biophysical properties (such as structural, functional, and spatial information, amino acid conservation, physicochemical variation, residue mobility, and thermodynamic stability) has been performed for this missense variant. However, the output from this modeling did not meet the statistical confidence thresholds required to predict the impact of this variant on NF1 protein function. This variant disrupts the p.Val1182 amino acid residue in NF1. Other variant(s) that disrupt this residue have been determined to be pathogenic (internal data). This suggests that this residue is clinically significant, and that variants that disrupt this residue are likely to be disease-causing. In summary, the available evidence is currently insufficient to determine the role of this variant in disease. Therefore, it has been classified as a Variant of Uncertain Significance.

NM_001042492.3(NF1):c.3544G>A (p.Val1182Ile)

Gene: NF1 (neurofibromin 1; plus strand). Cytogenetic location: 17q11.2.
Variant type: single nucleotide variant.
Coding change: c.3544G>A on transcript NM_001042492.3 (MANE Select); coding-DNA position 3544, G replaced by A.
Protein change: p.Val1182Ile; replaces valine 1182 with isoleucine.
Molecular consequence: missense variant.
Genome position (GRCh38, 1-based): chr17:31,233,049, G>A. VCF-style: chr17-31233049-G-A. GRCh37 (hg19) VCF-style: chr17-29560067-G-A.
Other names: c.3544G>A, p.Val1182Ile (NM_000267.4); short protein forms V1182I.
Identifiers: ClinVar variation 1037040 (VCV001037040.4), dbSNP rs1555615027, ClinGen allele CA398989960.